The following is an entry in ClinVar:

ClinVar aggregate classification (germline): Uncertain significance (1 of 4 stars; one submission).

Conditions:
Idiopathic generalized epilepsy. Also called: Generalised epilepsy; EIG. Identifiers: MedGen C0270850, MONDO:0005579, OMIM 600669.
Hyperaldosteronism, familial, type IV (HALD4). Also called: FH IV; ALDOSTERONISM, PRIMARY, AND HYPERTENSION. Identifiers: Orphanet 642671, MedGen C4310756, MONDO:0014875, OMIM 617027.

Submission:

Labcorp Genetics (formerly Invitae), Labcorp
Classification: Uncertain significance for Idiopathic generalized epilepsy; Hyperaldosteronism, familial, type IV. Last evaluated: 2023-08-14. Review status: criteria provided, single submitter. Criteria: Invitae Variant Classification Sherloc (09022015). Collection method: clinical testing. Allele origin: germline.
Comment: This sequence change replaces glycine, which is neutral and non-polar, with arginine, which is basic and polar, at codon 638 of the CACNA1H protein (p.Gly638Arg). This variant is not present in population databases (gnomAD no frequency). This variant has not been reported in the literature in individuals affected with CACNA1H-related conditions. Advanced modeling of protein sequence and biophysical properties (such as structural, functional, and spatial information, amino acid conservation, physicochemical variation, residue mobility, and thermodynamic stability) performed at Invitae indicates that this missense variant is not expected to disrupt CACNA1H protein function. In summary, the available evidence is currently insufficient to determine the role of this variant in disease. Therefore, it has been classified as a Variant of Uncertain Significance.

NM_021098.3(CACNA1H):c.1912G>C (p.Gly638Arg)

Gene: CACNA1H (calcium voltage-gated channel subunit alpha1 H; plus strand). Cytogenetic location: 16p13.3.
Variant type: single nucleotide variant.
Coding change: c.1912G>C on transcript NM_021098.3 (MANE Select); coding-DNA position 1912, G replaced by C.
Protein change: p.Gly638Arg; replaces glycine 638 with arginine.
Molecular consequence: missense variant.
Genome position (GRCh38, 1-based): chr16:1,202,362, G>C. VCF-style: chr16-1202362-G-C. GRCh37 (hg19) VCF-style: chr16-1252362-G-C.
Other names: c.1912G>C, p.Gly638Arg (NM_001005407.2); short protein forms G638R.
Identifiers: ClinVar variation 2950956 (VCV002950956.3), dbSNP rs747036748, ClinGen allele CA394163055.